The following is an entry in ClinVar:

ClinVar aggregate classification (germline): Uncertain significance (1 of 4 stars; one submission).

gnomAD v4.1: 1 of 1,614,018 alleles (0.000062%); highest among the groups gnomAD compares: Admixed American, 0.0017%; no homozygotes.

Submission:

Labcorp Genetics (formerly Invitae), Labcorp
Classification: Uncertain significance. Last evaluated: 2025-02-04. Review status: criteria provided, single submitter. Criteria: Invitae Variant Classification Sherloc (09022015). Collection method: clinical testing. Allele origin: germline.
Comment: This sequence change replaces aspartic acid, which is acidic and polar, with histidine, which is basic and polar, at codon 1473 of the MTOR protein (p.Asp1473His). This variant is not present in population databases (gnomAD no frequency). This variant has not been reported in the literature in individuals affected with MTOR-related conditions. ClinVar contains an entry for this variant (Variation ID: 2970312). Invitae Evidence Modeling of protein sequence and biophysical properties (such as structural, functional, and spatial information, amino acid conservation, physicochemical variation, residue mobility, and thermodynamic stability) indicates that this missense variant is not expected to disrupt MTOR protein function with a negative predictive value of 95%. In summary, the available evidence is currently insufficient to determine the role of this variant in disease. Therefore, it has been classified as a Variant of Uncertain Significance.

NM_004958.4(MTOR):c.4417G>C (p.Asp1473His)

Gene: MTOR (mechanistic target of rapamycin kinase; minus strand). Cytogenetic location: 1p36.22.
Variant type: single nucleotide variant.
Coding change: c.4417G>C on transcript NM_004958.4 (MANE Select); coding-DNA position 4417, G replaced by C.
Protein change: p.Asp1473His; replaces aspartic acid 1473 with histidine.
Molecular consequence: missense variant.
Genome position (GRCh38, 1-based): chr1:11,157,204, C>G on the plus strand (G>C on the coding strand, the complement: MTOR is on the minus strand). VCF-style: chr1-11157204-C-G. GRCh37 (hg19) VCF-style: chr1-11217261-C-G.
Other names: c.4417G>C, p.Asp1473His (NM_001386500.1); c.3169G>C, p.Asp1057His (NM_001386501.1); short protein forms D1057H, D1473H.
Identifiers: ClinVar variation 2970312 (VCV002970312.3), dbSNP rs1313381757, ClinGen allele CA338371723.